The following is an entry in ClinVar:

NM_001330288.2(SMARCC2):c.2233G>T (p.Ala745Ser)

Gene: SMARCC2 (SWI/SNF related BAF chromatin remodeling complex subunit C2; minus strand). Cytogenetic location: 12q13.2.
Variant type: single nucleotide variant.
Coding change: c.2233G>T on transcript NM_001330288.2 (MANE Select); coding-DNA position 2233, G replaced by T.
Protein change: p.Ala745Ser; replaces alanine 745 with serine.
Molecular consequence: missense variant.
Genome position (GRCh38, 1-based): chr12:56,171,385, C>A on the plus strand (G>T on the coding strand, the complement: SMARCC2 is on the minus strand). VCF-style: chr12-56171385-C-A. GRCh37 (hg19) VCF-style: chr12-56565169-C-A.
Other names: c.2233G>T, p.Ala745Ser (NM_001130420.3, NM_139067.4); c.2140G>T, p.Ala714Ser (NM_003075.5); short protein forms A714S, A745S.
Identifiers: ClinVar variation 1707743 (VCV001707743.2), dbSNP rs2540879444, ClinGen allele CA385344028.
Genomic context (GRCh38, chr12:56,171,385, plus strand): 5'-CGAAGGCAGGGTCCGCCTTGCCTGTTACTTTGGCTGCTTCTTCCACTTTTCGAACATGGG[C>A]CTCCACCAAGGCCGTGGGTACCTCTTCCTTCATTTTGGAGAACTCCTCTGCAAGACCCAG-3'
Protein context (NP_001317217.1, residues 735-755): KEEVPTALVE[Ala745Ser]HVRKVEEAAK

ClinVar aggregate classification (germline): Uncertain significance (1 of 4 stars; one submission).

Submission:

GeneDx
Classification: Uncertain significance. Last evaluated: 2022-03-30. Review status: criteria provided, single submitter. Criteria: GeneDx Variant Classification Process June 2021. Collection method: clinical testing. Allele origin: germline. Affected: yes.
Comment: Not observed at significant frequency in large population cohorts (gnomAD); In silico analysis supports that this missense variant does not alter protein structure/function; Has not been previously published as pathogenic or benign to our knowledge